The following is an entry in ClinVar:

ClinVar aggregate classification (germline): Likely pathogenic (1 of 4 stars; one submission).

Submission:

GeneDx
Classification: Likely pathogenic. Last evaluated: 2026-08-07. Review status: criteria provided, single submitter. Criteria: GeneDx Variant Classification Process June 2021. Collection method: clinical testing. Allele origin: germline.
Comment: Not observed at significant frequency in large population cohorts (gnomAD); In silico analysis supports that this missense variant has a deleterious effect on protein structure/function; In silico analysis supports a deleterious effect on splicing; Has not been previously published as pathogenic or benign to our knowledge

NM_020987.5(ANK3):c.4323G>C (p.Lys1441Asn)

Gene: ANK3 (ankyrin 3; minus strand). Cytogenetic location: 10q21.2.
Variant type: single nucleotide variant.
Coding change: c.4323G>C on transcript NM_020987.5 (MANE Select); coding-DNA position 4323, G replaced by C.
Protein change: p.Lys1441Asn; replaces lysine 1441 with asparagine.
Molecular consequence: missense variant.
Genome position (GRCh38, 1-based): chr10:60,082,615, C>G on the plus strand (G>C on the coding strand, the complement: ANK3 is on the minus strand). VCF-style: chr10-60082615-C-G. GRCh37 (hg19) VCF-style: chr10-61842373-C-G.
Other names: c.1725G>C, p.Lys575Asn (NM_001149.4); c.4305G>C, p.Lys1435Asn (NM_001204403.2); c.4326G>C, p.Lys1442Asn (NM_001204404.2); c.4323G>C, p.Lys1441Asn (NM_001320874.2); short protein forms K1435N, K1441N, K575N, K1442N.
Identifiers: ClinVar variation 387902 (VCV000387902.3), dbSNP rs1057522936, ClinGen allele CA16606671.
Genomic context (GRCh38, chr10:60,082,615, plus strand): 5'-ACCAAAGGCCCACTTCTTCAAGACCAGGGAAAGACAATTTAAAGCAGTATTAAAAGATAC[C>G]TTTTTATGTGCTGGCAGAGTGATATTTAAGTTGCAAACCGCTGTTTGAGGCAGTCCTTTT-3'
Protein context (NP_066267.2, residues 1431-1451): NLNITLPAHK[Lys1441Asn]ETESDQDDEI